The following is an entry in ClinVar:

ClinVar aggregate classification (germline): Pathogenic (1 of 4 stars; one submission).

Conditions:
Diffuse cerebral and cerebellar atrophy - intractable seizures - progressive microcephaly syndrome. Also called: Microcephaly, progressive, with seizures and cerebral and cerebellar atrophy. Identifiers: Orphanet 404437, MedGen C4014239, MONDO:0014335, OMIM 615760.

Submission:

Labcorp Genetics (formerly Invitae), Labcorp
Classification: Pathogenic for Diffuse cerebral and cerebellar atrophy - intractable seizures - progressive microcephaly syndrome. Last evaluated: 2023-10-03. Review status: criteria provided, single submitter. Criteria: Invitae Variant Classification Sherloc (09022015). Collection method: clinical testing. Allele origin: germline.
Comment: This sequence change creates a premature translational stop signal (p.Glu399Argfs*6) in the QARS gene. It is expected to result in an absent or disrupted protein product. Loss-of-function variants in QARS are known to be pathogenic (PMID: 24656866, 25471517). This variant is not present in population databases (gnomAD no frequency). This variant has not been reported in the literature in individuals affected with QARS-related conditions. ClinVar contains an entry for this variant (Variation ID: 1451833). For these reasons, this variant has been classified as Pathogenic.

Literature cited by the submitters: PubMed 24656866; PubMed 25471517.

NM_005051.3(QARS1):c.1194del (p.Glu399fs)

Gene: QARS1 (glutaminyl-tRNA synthetase 1; minus strand). Cytogenetic location: 3p21.31.
Variant type: Deletion.
Coding change: c.1194del on transcript NM_005051.3 (MANE Select); coding-DNA position 1194, one base deleted (C; older notation c.1194delC).
Protein change: p.Glu399fs; shifts the reading frame from glutamic acid 399.
Molecular consequence: frameshift variant. On other transcripts: non-coding transcript variant (1).
Genome position (GRCh38, 1-based): chr3:49,100,062, G deleted on the plus strand (C on the coding strand, the reverse complement: QARS1 is on the minus strand). VCF-style (leftmost placement, unchanged base first): chr3-49100061-CG-C. GRCh37 (hg19) VCF-style: chr3-49137494-CG-C.
Other names: c.1161del, p.Glu388fs (NM_001272073.2); short protein forms E399fs, E388fs.
Identifiers: ClinVar variation 1451833 (VCV001451833.6), dbSNP rs2107102230, ClinGen allele CA2573137153.
Genomic context (GRCh38, chr3:49,100,061, plus strand): 5'-GATAGGCTACAGGGTCCATCTTGCCATCCTCCATCACCAGCTTCATCCGTAGTGTGGCCT[CG>C]CCCTCTGAAAACTTGCCCTTGCGCATTGCCTGAGGGGAACAAGGACTCAGGCTGTCTCTA-3'